The following is an entry in ClinVar:

NM_023110.3(FGFR1):c.245C>G (p.Thr82Arg)

Gene: FGFR1 (fibroblast growth factor receptor 1; minus strand). Cytogenetic location: 8p11.23.
Variant type: single nucleotide variant.
Coding change: c.245C>G on transcript NM_023110.3 (MANE Select); coding-DNA position 245, C replaced by G.
Protein change: p.Thr82Arg; replaces threonine 82 with arginine.
Molecular consequence: missense variant. On other transcripts: intron variant (5).
Genome position (GRCh38, 1-based): chr8:38,429,795, G>C on the plus strand (C>G on the coding strand, the complement: FGFR1 is on the minus strand). VCF-style: chr8-38429795-G-C. GRCh37 (hg19) VCF-style: chr8-38287313-G-C.
Other names: c.245C>G, p.Thr82Arg (NM_000604.2, NM_001174063.2, NM_001174065.2 and 4 more transcripts); c.221C>G, p.Thr74Arg (NM_001174064.2); c.344C>G, p.Thr115Arg (NM_001174067.2); c.92-1360C>G (NM_001354368.2, NM_001354370.2, NM_023106.3 and 2 more transcripts); short protein forms T115R, T74R, T82R.
Identifiers: ClinVar variation 2501556 (VCV002501556.2), dbSNP rs760780809, ClinGen allele CA4718839.

ClinVar aggregate classification (germline): Uncertain significance. Review status: criteria provided, multiple submitters, no conflicts (2 of 4 stars). 2 submissions from 2 submitters: Uncertain significance (2). Last evaluated 2024-02-03.

Conditions:
Encephalocraniocutaneous lipomatosis (ECCL). Identifiers: Orphanet 2396, MedGen C0406612, MONDO:0013074, OMIM 613001.
Pfeiffer syndrome (ACS5). Also called: ACS V. Identifiers: Orphanet 710, MedGen C0220658, MONDO:0007043, OMIM 101600.
Osteoglophonic dysplasia (OGD). Also called: Osteoglophonic dwarfism. Identifiers: Orphanet 2645, MedGen C0432283, MONDO:0008150, OMIM 166250.
Hartsfield-Bixler-Demyer syndrome (HRTFDS). Also called: FGFR1-Related Hartsfield Syndrome; Holoprosencephaly, ectrodactyly, and bilateral cleft lip/palate; Hartsfield syndrome. Identifiers: Orphanet 2117, MedGen C1845146, MONDO:0014196, OMIM 615465. Disease mechanism: loss of function.
Trigonocephaly 1 (TRIGNO1). Identifiers: Orphanet 3366, MedGen C0432122, MONDO:0008603, OMIM 190440.
Hypogonadotropic hypogonadism 2 with or without anosmia (HH2). Also called: HYPOGONADOTROPIC HYPOGONADISM 2 WITHOUT ANOSMIA; HYPOGONADOTROPIC HYPOGONADISM 2 WITH OR WITHOUT ANOSMIA, SUSCEPTIBILITY TO; HYPOGONADOTROPIC HYPOGONADISM 2 WITHOUT ANOSMIA, SUSCEPTIBILITY TO; FGFR1-Related GnRH Deficiency (Kallmann Syndrome 2). Identifiers: Orphanet 478, MedGen C1563720, MONDO:0007844, OMIM 147950. Disease mechanism: loss of function.
Jackson-Weiss syndrome (JWS). Also called: CRANIOSYNOSTOSIS, MIDFACIAL HYPOPLASIA, AND FOOT ABNORMALITIES. Identifiers: Orphanet 1540, MedGen C0795998, MONDO:0007400, OMIM 123150. Disease mechanism: loss of function.

Allele frequency attached by ClinVar (database versions not stated): gnomAD 0.00001; TOPMed 0.00001; ExAC 0.00002.
gnomAD v4.1: 15 of 1,612,916 alleles (0.00093%); highest among the groups gnomAD compares: Non-Finnish European, 0.0013%; no homozygotes.

Submissions (2):

Fulgent Genetics
Classification: Uncertain significance for Pfeiffer syndrome; Jackson-Weiss syndrome; Hypogonadotropic hypogonadism 2 with or without anosmia; Osteoglophonic dysplasia; Trigonocephaly 1; Encephalocraniocutaneous lipomatosis; Hartsfield-Bixler-Demyer syndrome. Last evaluated: 2024-02-03. Review status: criteria provided, single submitter. Criteria: ACMG Guidelines, 2015. Collection method: clinical testing. Allele origin: germline.

GeneDx
Classification: Uncertain significance. Last evaluated: 2022-11-08. Review status: criteria provided, single submitter. Criteria: GeneDx Variant Classification Process June 2021. Collection method: clinical testing. Allele origin: germline. Affected: yes.
Comment: Not observed at significant frequency in large population cohorts (gnomAD); In silico analysis supports that this missense variant does not alter protein structure/function; Has not been previously published as pathogenic or benign to our knowledge